The following is an entry in ClinVar:

ClinVar aggregate classification (germline): Uncertain significance (1 of 4 stars; one submission).

Conditions:
Joubert syndrome 14 (JBTS14). Identifiers: MedGen C3280766, MONDO:0013745, OMIM 614424.

Submission:

Labcorp Genetics (formerly Invitae), Labcorp
Classification: Uncertain significance for Joubert syndrome 14. Last evaluated: 2022-07-12. Review status: criteria provided, single submitter. Criteria: Invitae Variant Classification Sherloc (09022015). Collection method: clinical testing. Allele origin: germline.
Comment: Algorithms developed to predict the effect of missense changes on protein structure and function are either unavailable or do not agree on the potential impact of this missense change (SIFT: "Deleterious"; PolyPhen-2: "Possibly Damaging"; Align-GVGD: "Class C0"). In summary, the available evidence is currently insufficient to determine the role of this variant in disease. Therefore, it has been classified as a Variant of Uncertain Significance. Algorithms developed to predict the effect of sequence changes on RNA splicing suggest that this variant may disrupt the consensus splice site. This variant has not been reported in the literature in individuals affected with TMEM237-related conditions. This variant is not present in population databases (gnomAD no frequency). This sequence change replaces serine, which is neutral and polar, with phenylalanine, which is neutral and non-polar, at codon 407 of the TMEM237 protein (p.Ser407Phe).

NM_001044385.3(TMEM237):c.1220C>T (p.Ser407Phe)

Gene: TMEM237 (transmembrane protein 237; minus strand). Cytogenetic location: 2q33.1.
Variant type: single nucleotide variant.
Coding change: c.1220C>T on transcript NM_001044385.3 (MANE Select); coding-DNA position 1220, C replaced by T.
Protein change: p.Ser407Phe; replaces serine 407 with phenylalanine.
Molecular consequence: missense variant.
Genome position (GRCh38, 1-based): chr2:201,624,262, G>A on the plus strand (C>T on the coding strand, the complement: TMEM237 is on the minus strand). VCF-style: chr2-201624262-G-A. GRCh37 (hg19) VCF-style: chr2-202488985-G-A.
Other names: c.1196C>T, p.Ser399Phe (NM_152388.4); short protein forms S407F, S399F.
Identifiers: ClinVar variation 1969726 (VCV001969726.5), dbSNP rs2469484829, ClinGen allele CA350303038.